The following is an entry in ClinVar:

ClinVar aggregate classification (germline): Uncertain significance (1 of 4 stars; one submission).

Submission:

GeneDx
Classification: Uncertain significance. Last evaluated: 2024-07-26. Review status: criteria provided, single submitter. Criteria: GeneDx Variant Classification Process June 2021. Collection method: clinical testing. Allele origin: germline. Affected: yes.
Comment: Has not been previously published as pathogenic or benign to our knowledge; Not observed at significant frequency in large population cohorts (gnomAD); In silico analysis indicates that this variant does not alter protein structure/function

NM_001005242.3(PKP2):c.775_777del (p.Glu259del)

Gene: PKP2 (plakophilin 2; minus strand). Cytogenetic location: 12p11.21.
Variant type: Deletion.
Coding change: c.775_777del on transcript NM_001005242.3 (MANE Select); coding-DNA positions 775 to 777, 3 bases deleted (GAG; older notation c.775_777delGAG).
Protein change: p.Glu259del; deletes glutamic acid 259.
Molecular consequence: inframe indel (on NM_004572.3).
Genome position (GRCh38, 1-based): chr12:32,878,103-32,878,105, CTC deleted on the plus strand (GAG on the coding strand, the reverse complement: PKP2 is on the minus strand); deleting any 3 consecutive bases within chr12:32,878,103-32,878,107 gives the same sequence; the c. name uses the placement nearest the transcript's 3' end. VCF-style (leftmost placement, unchanged base first): chr12-32878102-TCTC-T. GRCh37 (hg19) VCF-style: chr12-33031036-TCTC-T.
Other names: c.775_777del, p.Glu259del (NM_001407155.1, NM_001407156.1, NM_001407157.1 and 2 more transcripts); c.448_450del, p.Glu150del (NM_001407158.1, NM_001407159.1, NM_001407160.1 and 1 more transcripts); c.773_775delAGG, p.Glu259del (NM_004572.3); short protein forms E150del, E259del.
Identifiers: ClinVar variation 3600668 (VCV003600668.1).